The following is an entry in ClinVar:

NM_018192.4(P3H2):c.1547A>G (p.Lys516Arg)

Gene: P3H2 (prolyl 3-hydroxylase 2; minus strand). Cytogenetic location: 3q28.
Variant type: single nucleotide variant.
Coding change: c.1547A>G on transcript NM_018192.4 (MANE Select); coding-DNA position 1547, A replaced by G.
Protein change: p.Lys516Arg; replaces lysine 516 with arginine.
Molecular consequence: missense variant.
Genome position (GRCh38, 1-based): chr3:189,973,910, T>C on the plus strand (A>G on the coding strand, the complement: P3H2 is on the minus strand). VCF-style: chr3-189973910-T-C. GRCh37 (hg19) VCF-style: chr3-189691699-T-C.
Other names: c.1004A>G, p.Lys335Arg (NM_001134418.2); short protein forms K335R, K516R.
Identifiers: ClinVar variation 1490033 (VCV001490033.6), dbSNP rs748885674, ClinGen allele CA355753537.

ClinVar aggregate classification (germline): Uncertain significance (1 of 4 stars; one submission).

gnomAD v4.1: 1 of 1,611,544 alleles (0.000062%); highest among the groups gnomAD compares: Non-Finnish European, 0.000085%; no homozygotes.

Submission:

Labcorp Genetics (formerly Invitae), Labcorp
Classification: Uncertain significance. Last evaluated: 2021-08-19. Review status: criteria provided, single submitter. Criteria: Invitae Variant Classification Sherloc (09022015). Collection method: clinical testing. Allele origin: germline.
Comment: Algorithms developed to predict the effect of sequence changes on RNA splicing suggest that this variant may disrupt the consensus splice site. In summary, the available evidence is currently insufficient to determine the role of this variant in disease. Therefore, it has been classified as a Variant of Uncertain Significance. This sequence change replaces lysine with arginine at codon 516 of the P3H2 protein (p.Lys516Arg). The lysine residue is highly conserved and there is a small physicochemical difference between lysine and arginine. This variant is not present in population databases (ExAC no frequency). This variant has not been reported in the literature in individuals affected with P3H2-related conditions. Algorithms developed to predict the effect of missense changes on protein structure and function (SIFT, PolyPhen-2, Align-GVGD) all suggest that this variant is likely to be tolerated.